The following is an entry in ClinVar:

NM_005535.3(IL12RB1):c.1560_1561delinsTT (p.Arg521Ter)

Gene: IL12RB1 (interleukin 12 receptor subunit beta 1; minus strand). Cytogenetic location: 19p13.11.
Variant type: Indel.
Coding change: c.1560_1561delinsTT on transcript NM_005535.3 (MANE Select); coding-DNA positions 1560 to 1561, GC replaced by TT.
Protein change: p.Arg521Ter; replaces arginine 521 with a stop codon.
Molecular consequence: nonsense.
Genome position (GRCh38, 1-based): chr19:18,063,933-18,063,934, GC replaced by AA on the plus strand (GC replaced by TT on the coding strand, the reverse complement: IL12RB1 is on the minus strand). VCF-style: chr19-18063933-GC-AA. GRCh37 (hg19) VCF-style: chr19-18174743-GC-AA.
Other names: c.1560_1561delinsTT, p.Arg521Ter (NM_001290023.2); c.1680_1681delinsTT, p.Arg561Ter (NM_001290024.2); c.1581_1582delinsTT, p.Arg528Ter (NM_001440424.1, NM_001440425.1); short protein forms R521*, R528*, R561*.
Identifiers: ClinVar variation 4854676 (VCV004854676.1).

ClinVar aggregate classification (germline): Likely pathogenic (1 of 4 stars; one submission).

Conditions:
Mendelian susceptibility to mycobacterial diseases due to complete IL12RB1 deficiency. Also called: Immunodeficiency 30; IL12RB1 DEFICIENCY. Identifiers: Orphanet 319552, MedGen C4013949, MONDO:0013955, OMIM 614891.

Submission:

3billion
Classification: Likely pathogenic for Mendelian susceptibility to mycobacterial diseases due to complete IL12RB1 deficiency. Last evaluated: 2025-09-24. Review status: criteria provided, single submitter. Criteria: ACMG Guidelines, 2015. Collection method: clinical testing. Allele origin: germline. Affected: yes.
Comment: The variant is observed at an extremely low frequency in the gnomAD v4.1.0 dataset (total allele frequency: <0.001%). Predicted Consequence/Location: Stop-gained (nonsense): predicted to result in a loss or disruption of normal protein function through nonsense-mediated decay (NMD) or protein truncation. Multiple pathogenic variants are reported downstream of the variant. The variant has been reported at least twice as pathogenic with clinical assertions and evidence for the classification (ClinVar ID: VCV001526194 /PMID: 21057261 /3billion dataset). Therefore, this variant is classified as Likely pathogenic according to the recommendation of ACMG/AMP guideline.

Literature cited by the submitters: PubMed 21057261.